The following is an entry in ClinVar:

NM_004429.5(EFNB1):c.1024A>G (p.Ile342Val)

Gene: EFNB1 (ephrin B1; plus strand). Cytogenetic location: Xq13.1.
Variant type: single nucleotide variant.
Coding change: c.1024A>G on transcript NM_004429.5 (MANE Select); coding-DNA position 1024, A replaced by G.
Protein change: p.Ile342Val; replaces isoleucine 342 with valine.
Molecular consequence: missense variant.
Genome position (GRCh38, 1-based): chrX:68,840,637, A>G. VCF-style: chrX-68840637-A-G. GRCh37 (hg19) VCF-style: chrX-68060480-A-G.
Other names: short protein forms I342V.
Identifiers: ClinVar variation 1305531 (VCV001305531.2), dbSNP rs752189120, ClinGen allele CA10438270.

ClinVar aggregate classification (germline): Uncertain significance (1 of 4 stars; one submission).

Allele frequency attached by ClinVar (database versions not stated): gnomAD exomes 0.00001; ExAC 0.00002.

Submission:

GeneDx
Classification: Uncertain significance. Last evaluated: 2019-05-10. Review status: criteria provided, single submitter. Criteria: GeneDx Variant Classification Process June 2021. Collection method: clinical testing. Allele origin: germline. Affected: yes.
Comment: In silico analysis, which includes protein predictors and evolutionary conservation, supports that this variant does not alter protein structure/function; Has not been previously published as pathogenic or benign to our knowledge